The following is an entry in ClinVar:

ClinVar aggregate classification (germline): Benign. Review status: criteria provided, multiple submitters, no conflicts (2 of 4 stars). 3 submissions from 3 submitters: Benign (2). 1 of the submissions does not count toward it. Last evaluated 2018-07-06.

Conditions:
CRISPLD2-related disorder. Also called: CRISPLD2-related condition.

Allele frequency attached by ClinVar (database versions not stated): gnomAD exomes 0.00044 and 0.00107; ExAC 0.00133; ESP Exome Variant Server 0.00254; gnomAD 0.00417 and 0.00446; TOPMed 0.00458; 1000 Genomes Project 30x 0.00484; 1000 Genomes Project 0.00499.
gnomAD v4.1: 1,313 of 1,614,148 alleles (0.081%); highest among the groups gnomAD compares: African/African-American, 1.4%; 7 homozygotes.

Submissions (3):

Labcorp Genetics (formerly Invitae), Labcorp
Classification: Benign. Last evaluated: 2018-07-06. Review status: criteria provided, single submitter. Criteria: Invitae Variant Classification Sherloc (09022015). Collection method: clinical testing. Allele origin: germline.

Breakthrough Genomics
Classification: Benign. Review status: criteria provided, single submitter. Criteria: ACMG Guidelines, 2015. Collection method: not provided. Allele origin: germline. Inheritance: Unknown mechanism. Affected: yes.

PreventionGenetics, part of Exact Sciences
Classification: Benign for CRISPLD2-related condition. Last evaluated: 2019-06-07. Review status: no assertion criteria provided. Collection method: clinical testing. Allele origin: germline. Not counted in ClinVar's aggregate classification.
Comment: This variant is classified as benign based on ACMG/AMP sequence variant interpretation guidelines (Richards et al. 2015 PMID: 25741868, with internal and published modifications).

NM_031476.4(CRISPLD2):c.519C>T (p.Ile173=)

Gene: CRISPLD2 (cysteine rich secretory protein LCCL domain containing 2; plus strand). Cytogenetic location: 16q24.1.
Variant type: single nucleotide variant.
Coding change: c.519C>T on transcript NM_031476.4 (MANE Select); coding-DNA position 519, C replaced by T.
Protein change: p.Ile173=; no amino-acid change (isoleucine 173 retained).
Molecular consequence: synonymous variant.
Genome position (GRCh38, 1-based): chr16:84,850,594, C>T. VCF-style: chr16-84850594-C-T. GRCh37 (hg19) VCF-style: chr16-84884200-C-T.
Identifiers: ClinVar variation 777049 (VCV000777049.6), dbSNP rs34925006, ClinGen allele CA8211581.